The following is an entry in ClinVar:

ClinVar aggregate classification (germline): Uncertain significance (1 of 4 stars; one submission).

Allele frequency attached by ClinVar (database versions not stated): gnomAD exomes below 0.00001.

Submission:

Labcorp Genetics (formerly Invitae), Labcorp
Classification: Uncertain significance. Last evaluated: 2022-07-19. Review status: criteria provided, single submitter. Criteria: Invitae Variant Classification Sherloc (09022015). Collection method: clinical testing. Allele origin: germline.
Comment: In summary, the available evidence is currently insufficient to determine the role of this variant in disease. Therefore, it has been classified as a Variant of Uncertain Significance. This sequence change replaces glycine, which is neutral and non-polar, with glutamic acid, which is acidic and polar, at codon 408 of the COL11A2 protein (p.Gly408Glu). Algorithms developed to predict the effect of missense changes on protein structure and function (SIFT, PolyPhen-2, Align-GVGD) all suggest that this variant is likely to be disruptive. ClinVar contains an entry for this variant (Variation ID: 1440360). This variant has not been reported in the literature in individuals affected with COL11A2-related conditions. This variant is present in population databases (no rsID available, gnomAD 0.0009%).

NM_080680.3(COL11A2):c.1223G>A (p.Gly408Glu)

Gene: COL11A2 (collagen type XI alpha 2 chain; minus strand). Cytogenetic location: 6p21.32.
Variant type: single nucleotide variant.
Coding change: c.1223G>A on transcript NM_080680.3 (MANE Select); coding-DNA position 1223, G replaced by A.
Protein change: p.Gly408Glu; replaces glycine 408 with glutamic acid.
Molecular consequence: missense variant.
Genome position (GRCh38, 1-based): chr6:33,180,729, C>T on the plus strand (G>A on the coding strand, the complement: COL11A2 is on the minus strand). VCF-style: chr6-33180729-C-T. GRCh37 (hg19) VCF-style: chr6-33148506-C-T.
Other names: c.902G>A, p.Gly301Glu (NM_080679.3); c.965G>A, p.Gly322Glu (NM_080681.3); short protein forms G322E, G408E, G301E.
Identifiers: ClinVar variation 1440360 (VCV001440360.8), dbSNP rs1399095431, ClinGen allele CA363606406.